The following is an entry in ClinVar:

NM_001110556.2(FLNA):c.6363C>T (p.Ala2121=)

Gene: FLNA (filamin A; minus strand). Cytogenetic location: Xq28.
Variant type: single nucleotide variant.
Coding change: c.6363C>T on transcript NM_001110556.2 (MANE Select); coding-DNA position 6363, C replaced by T.
Protein change: p.Ala2121=; no amino-acid change (alanine 2121 retained).
Molecular consequence: synonymous variant.
Genome position (GRCh38, 1-based): chrX:154,352,788, G>A on the plus strand (C>T on the coding strand, the complement: FLNA is on the minus strand). VCF-style: chrX-154352788-G-A. GRCh37 (hg19) VCF-style: chrX-153581156-G-A.
Other names: p.Ala2113=; c.6339C>T, p.Ala2113= (NM_001456.4).
Identifiers: ClinVar variation 742615 (VCV000742615.21), dbSNP rs782107005, ClinGen allele CA10560112.

ClinVar aggregate classification (germline): Likely benign. Review status: criteria provided, multiple submitters, no conflicts (2 of 4 stars). 5 submissions from 5 submitters: Likely benign (5). Last evaluated 2026-08-01.

Conditions:
Melnick-Needles syndrome (MNS). Also called: MELNICK-NEEDLES OSTEODYSPLASTY; OSTEODYSPLASTY OF MELNICK AND NEEDLES; Melnick-Needles Syndrome (FLNA-MNS). Identifiers: Orphanet 2484, MedGen C0025237, MONDO:0010650, OMIM 309350.
Heterotopia, periventricular, X-linked dominant (PVNH1). Also called: PERIVENTRICULAR NODULAR HETEROTOPIA 1; X-linked periventricular heterotopia; PERIVENTRICULAR NODULAR HETEROTOPIA 4; HETEROTOPIA, PERIVENTRICULAR, 1. Identifiers: Orphanet 2149, Orphanet 82004, MedGen C1848213, MONDO:0010233, OMIM 300049.
Oto-palato-digital syndrome, type II (OPD2). Also called: FACIOPALATOOSSEOUS SYNDROME; OPD II SYNDROME; Otopalatodigital Syndrome, Type II; Otopalatodigital Syndrome Type 2 (FLNA-OPD2). Identifiers: Orphanet 669, Orphanet 90652, MedGen C1844696, MONDO:0010571, OMIM 304120.
Frontometaphyseal dysplasia (FMD1). Identifiers: Orphanet 1826, MedGen C0265293, MONDO:0015942.
Familial thoracic aortic aneurysm and aortic dissection (TAAD). Also called: Thoracic aortic aneurysms and dissections. Identifiers: Orphanet 91387, MedGen C4707243, MONDO:0019625.

Allele frequency attached by ClinVar (database versions not stated): ExAC 0.00001; gnomAD exomes 0.00001 and 0.00002; gnomAD 0.00003; TOPMed 0.00004.
gnomAD v4.1: 11 of 1,210,658 alleles (0.00091%); highest among the groups gnomAD compares: African/African-American, 0.012%; no homozygotes.

Submissions (5):

CeGaT Center for Human Genetics Tuebingen
Classification: Likely benign. Last evaluated: 2026-08-01. Review status: criteria provided, single submitter. Criteria: CeGaT Center For Human Genetics Tuebingen Variant Classification Criteria Version 2. Collection method: clinical testing. Allele origin: germline. Affected: yes. Observed: 1 variant allele.
Comment: FLNA: BP4, BP7

Labcorp Genetics (formerly Invitae), Labcorp
Classification: Likely benign for Oto-palato-digital syndrome, type II; Heterotopia, periventricular, X-linked dominant; Frontometaphyseal dysplasia; Melnick-Needles syndrome. Last evaluated: 2025-09-23. Review status: criteria provided, single submitter. Criteria: Invitae Variant Classification Sherloc (09022015). Collection method: clinical testing. Allele origin: germline.

Mayo Clinic Laboratories, Mayo Clinic
Classification: Likely benign. Last evaluated: 2025-08-25. Review status: criteria provided, single submitter. Criteria: ACMG Guidelines, 2015. Collection method: clinical testing. Allele origin: germline. Observed: 1 variant allele.
Comment: BP4, BP7

ARUP Laboratories, Molecular Genetics and Genomics, ARUP Laboratories
Classification: Likely benign. Last evaluated: 2020-01-17. Review status: criteria provided, single submitter. Criteria: ARUP Molecular Germline Variant Investigation Process. Collection method: clinical testing. Allele origin: germline.

Ambry Genetics
Classification: Likely benign for Familial thoracic aortic aneurysm and aortic dissection. Last evaluated: 2019-08-02. Review status: criteria provided, single submitter. Criteria: Ambry Variant Classification Scheme 2023. Collection method: clinical testing. Allele origin: germline.